The following is an entry in ClinVar:

NM_001360016.2(G6PD):c.1367A>T (p.Asp456Val)

Gene: G6PD (glucose-6-phosphate dehydrogenase; minus strand). Cytogenetic location: Xq28.
Variant type: single nucleotide variant.
Coding change: c.1367A>T on transcript NM_001360016.2 (MANE Select); coding-DNA position 1367, A replaced by T.
Protein change: p.Asp456Val; replaces aspartic acid 456 with valine.
Molecular consequence: missense variant.
Genome position (GRCh38, 1-based): chrX:154,532,278, T>A on the plus strand (A>T on the coding strand, the complement: G6PD is on the minus strand). VCF-style: chrX-154532278-T-A. GRCh37 (hg19) VCF-style: chrX-153760493-T-A.
Other names: G6PD Amiens; c.1457A>T, p.Asp486Val (NM_000402.4); c.1367A>T, p.Asp456Val (NM_001042351.3); short protein forms D456V, D486V.
Identifiers: ClinVar variation 1722632 (VCV001722632.2), dbSNP rs2523261336, ClinGen allele CA415232701.

ClinVar aggregate classification (germline): Likely pathogenic (1 of 4 stars; one submission).

Conditions:
Anemia, nonspherocytic hemolytic, due to G6PD deficiency (CNSHA1). Also called: Hemolytic anemia due to G6PD deficiency; Class I glucose-6-phosphate dehydrogenase deficiency; Favism, susceptibility to; ANEMIA, CONGENITAL, NONSPHEROCYTIC HEMOLYTIC, 1. Identifiers: Orphanet 466026, MedGen C2720289, MONDO:0010480, OMIM 300908.

Submission:

Dunham Lab, University of Washington
Classification: Likely pathogenic for Anemia, nonspherocytic hemolytic, due to G6PD deficiency. Last evaluated: 2022-08-12. Review status: criteria provided, single submitter. Criteria: Bayesian ACMG Guidelines, 2018. Collection method: curation. Allele origin: maternal. Affected: yes.
Comment: Decreased actvity in red blood cells of hemizygote (1%) (PS3). Not found in gnomAD (PM2). Post_P 0.975 (odds of pathogenicity 350.3, Prior_P 0.1).

Literature cited by the submitters: PubMed 22139979.